The following is an entry in ClinVar:

ClinVar aggregate classification (germline): Benign/Likely benign. Review status: criteria provided, multiple submitters, no conflicts (2 of 4 stars). 8 submissions from 8 submitters: Benign (1); Likely benign (7). Last evaluated 2026-01-19.

Conditions:
Hereditary nonpolyposis colorectal neoplasms. Identifiers: MedGen C0009405, MeSH D003123.
Lynch syndrome 4 (LYNCH4). Also called: Colorectal cancer, hereditary nonpolyposis, type 4; Hereditary non-polyposis colorectal cancer, type 4. Identifiers: Orphanet 144, MedGen C1838333, MONDO:0013699, OMIM 614337. Disease mechanism: loss of function.
Hereditary cancer-predisposing syndrome. Also called: Tumor predisposition; Hereditary neoplastic syndrome; Neoplastic Syndromes, Hereditary; Hereditary Cancer Syndrome. Identifiers: Orphanet 140162, MedGen C0027672, MeSH D009386, MONDO:0015356.

Allele frequency attached by ClinVar (database versions not stated): gnomAD 0.00001; gnomAD exomes 0.00001 and 0.00002; TOPMed 0.00002; ExAC 0.00003; ESP Exome Variant Server 0.00008.
gnomAD v4.1: 21 of 1,606,160 alleles (0.0013%); highest among the groups gnomAD compares: Middle Eastern, 0.033%; 1 homozygote.

Submissions (8):

Labcorp Genetics (formerly Invitae), Labcorp
Classification: Likely benign for Hereditary nonpolyposis colorectal neoplasms. Last evaluated: 2026-01-19. Review status: criteria provided, single submitter. Criteria: Invitae Variant Classification Sherloc (09022015). Collection method: clinical testing. Allele origin: germline.

Quest Diagnostics Nichols Institute San Juan Capistrano
Classification: Likely benign. Last evaluated: 2025-09-03. Review status: criteria provided, single submitter. Criteria: Quest Diagnostics criteria. Collection method: clinical testing. Allele origin: unknown.

Women's Health and Genetics/Laboratory Corporation of America, LabCorp
Classification: Likely benign. Last evaluated: 2025-03-03. Review status: criteria provided, single submitter. Criteria: LabCorp Variant Classification Summary - May 2015. Collection method: clinical testing. Allele origin: germline.
Comment: Variant summary: PMS2 c.2346C>T alters a conserved nucleotide resulting in a synonymous change. Consensus agreement among computation tools predict no significant impact on normal splicing. However, these predictions have yet to be confirmed by functional studies. The variant allele was found at a frequency of 2.4e-05 in 250162 control chromosomes in the gnomAD database, including 1 homozygote. The available data on variant occurrences in the general population are insufficient to allow any conclusion about variant significance. To our knowledge, no occurrence of c.2346C>T in individuals affected with Hereditary Nonpolyposis Colorectal Cancer and no experimental evidence demonstrating its impact on protein function have been reported. ClinVar contains an entry for this variant (Variation ID: 378882). Based on the evidence outlined above, the variant was classified as likely benign.

Myriad Genetics, Inc.
Classification: Benign for Lynch syndrome 4. Last evaluated: 2025-02-04. Review status: criteria provided, single submitter. Criteria: Myriad Autosomal Dominant, Autosomal Recessive and X-Linked Classification Criteria (2023). Collection method: clinical testing. Allele origin: unknown.
Comment: This variant is considered benign. This variant is a silent/synonymous amino acid change and it is not expected to impact splicing.

Color Diagnostics, LLC DBA Color Health
Classification: Likely benign for Hereditary cancer-predisposing syndrome. Last evaluated: 2023-11-06. Review status: criteria provided, single submitter. Criteria: ACMG Guidelines, 2015. Collection method: clinical testing. Allele origin: germline.

Sema4
Classification: Likely benign for Hereditary cancer-predisposing syndrome. Last evaluated: 2022-01-05. Review status: criteria provided, single submitter. Criteria: Sema4 Curation Guidelines. Collection method: curation. Allele origin: germline.

GeneDx
Classification: Likely benign. Last evaluated: 2017-01-03. Review status: criteria provided, single submitter. Criteria: GeneDx Variant Classification (06012015). Collection method: clinical testing. Allele origin: germline. Affected: yes.
Comment: This variant is considered likely benign or benign based on one or more of the following criteria: it is a conservative change, it occurs at a poorly conserved position in the protein, it is predicted to be benign by multiple in silico algorithms, and/or has population frequency not consistent with disease.

Ambry Genetics
Classification: Likely benign for Hereditary cancer-predisposing syndrome. Last evaluated: 2015-07-30. Review status: criteria provided, single submitter. Criteria: Ambry Variant Classification Scheme 2023. Collection method: clinical testing. Allele origin: germline.

NM_000535.7(PMS2):c.2346C>T (p.Asp782=)

Gene: PMS2 (PMS1 homolog 2, mismatch repair system component; minus strand). Cytogenetic location: 7p22.1.
Variant type: single nucleotide variant.
Coding change: c.2346C>T on transcript NM_000535.7 (MANE Select); coding-DNA position 2346, C replaced by T.
Protein change: p.Asp782=; no amino-acid change (aspartic acid 782 retained).
Molecular consequence: synonymous variant. On other transcripts: non-coding transcript variant (1).
Genome position (GRCh38, 1-based): chr7:5,977,687, G>A on the plus strand (C>T on the coding strand, the complement: PMS2 is on the minus strand). VCF-style: chr7-5977687-G-A. GRCh37 (hg19) VCF-style: chr7-6017318-G-A.
Other names: c.1941C>T, p.Asp647= (NM_001322003.2, NM_001322004.2, NM_001322005.2); c.2190C>T, p.Asp730= (NM_001322006.2); c.2028C>T, p.Asp676= (NM_001322007.2, NM_001322008.2); c.1974C>T, p.Asp658= (NM_001322009.2); c.1785C>T, p.Asp595= (NM_001322010.2); c.1413C>T, p.Asp471= (NM_001322011.2, NM_001322012.2); c.1773C>T, p.Asp591= (NM_001322013.2); c.2379C>T, p.Asp793= (NM_001322014.2); and 2 more.
Identifiers: ClinVar variation 378882 (VCV000378882.22), dbSNP rs139031103, ClinGen allele CA047767.